The following is an entry in ClinVar:

NM_000334.4(SCN4A):c.713C>A (p.Thr238Lys)

Gene: SCN4A (sodium voltage-gated channel alpha subunit 4; minus strand). Cytogenetic location: 17q23.3.
Variant type: single nucleotide variant.
Coding change: c.713C>A on transcript NM_000334.4 (MANE Select); coding-DNA position 713, C replaced by A.
Protein change: p.Thr238Lys; replaces threonine 238 with lysine.
Molecular consequence: missense variant.
Genome position (GRCh38, 1-based): chr17:63,968,346, G>T on the plus strand (C>A on the coding strand, the complement: SCN4A is on the minus strand). VCF-style: chr17-63968346-G-T. GRCh37 (hg19) VCF-style: chr17-62045706-G-T.
Other names: short protein forms T238K.
Identifiers: ClinVar variation 864216 (VCV000864216.13), dbSNP rs201661188, ClinGen allele CA292971966.
Genomic context (GRCh38, chr17:63,968,346, plus strand): 5'-ACAGTGAGGATCATCACATCCGACAGCTTTTTCACCGACTGGATCAGGGCCCCCACGATC[G>T]TCTTCAGCCCTGACCGCAGAGAGGGCAAGGATATTGGCAGGGGGCAGGGCAGGGTGATAA-3'
Protein context (NP_000325.4, residues 228-248): KTITVIPGLK[Thr238Lys]IVGALIQSVK

ClinVar aggregate classification (germline): Uncertain significance. Review status: criteria provided, multiple submitters, no conflicts (2 of 4 stars). 2 submissions from 2 submitters: Uncertain significance (2). Last evaluated 2022-04-21.

Conditions:
Hyperkalemic periodic paralysis. Also called: Familial hyperkalemic periodic paralysis; Gamstorp disease. Identifiers: Orphanet 682, MedGen C0238357, MONDO:0008224, OMIM 170500, HP:0007215.

Submissions (2):

Labcorp Genetics (formerly Invitae), Labcorp
Classification: Uncertain significance for Hyperkalemic periodic paralysis. Last evaluated: 2022-04-21. Review status: criteria provided, single submitter. Criteria: Invitae Variant Classification Sherloc (09022015). Collection method: clinical testing. Allele origin: germline.
Comment: Algorithms developed to predict the effect of missense changes on protein structure and function (SIFT, PolyPhen-2, Align-GVGD) all suggest that this variant is likely to be disruptive. In summary, the available evidence is currently insufficient to determine the role of this variant in disease. Therefore, it has been classified as a Variant of Uncertain Significance. ClinVar contains an entry for this variant (Variation ID: 864216). This sequence change replaces threonine, which is neutral and polar, with lysine, which is basic and polar, at codon 238 of the SCN4A protein (p.Thr238Lys). This variant is not present in population databases (gnomAD no frequency). This variant has not been reported in the literature in individuals affected with SCN4A-related conditions.

Revvity Omics, Revvity
Classification: Uncertain significance. Last evaluated: 2021-07-22. Review status: criteria provided, single submitter. Criteria: ACMG Guidelines, 2015. Collection method: clinical testing. Allele origin: germline.